The following is an entry in ClinVar:

ClinVar aggregate classification (germline): Uncertain significance (1 of 4 stars; one submission).

Conditions:
Fanconi anemia complementation group O. Also called: RAD51C-Related Fanconi Anemia. Identifiers: Orphanet 84, MedGen C3150653, MONDO:0013248, OMIM 613390.

Submission:

Labcorp Genetics (formerly Invitae), Labcorp
Classification: Uncertain significance for Fanconi anemia complementation group O. Last evaluated: 2024-11-05. Review status: criteria provided, single submitter. Criteria: Invitae Variant Classification Sherloc (09022015). Collection method: clinical testing. Allele origin: germline.
Comment: This sequence change replaces glutamine, which is neutral and polar, with arginine, which is basic and polar, at codon 93 of the RAD51C protein (p.Gln93Arg). This variant is not present in population databases (gnomAD no frequency). This variant has not been reported in the literature in individuals affected with RAD51C-related conditions. ClinVar contains an entry for this variant (Variation ID: 2109015). Invitae Evidence Modeling of protein sequence and biophysical properties (such as structural, functional, and spatial information, amino acid conservation, physicochemical variation, residue mobility, and thermodynamic stability) indicates that this missense variant is not expected to disrupt RAD51C protein function with a negative predictive value of 80%. In summary, the available evidence is currently insufficient to determine the role of this variant in disease. Therefore, it has been classified as a Variant of Uncertain Significance.

NM_058216.3(RAD51C):c.278A>G (p.Gln93Arg)

Gene: RAD51C (RAD51 paralog C; plus strand). Cytogenetic location: 17q22.
Variant type: single nucleotide variant.
Coding change: c.278A>G on transcript NM_058216.3 (MANE Select); coding-DNA position 278, A replaced by G.
Protein change: p.Gln93Arg; replaces glutamine 93 with arginine.
Molecular consequence: missense variant. On other transcripts: non-coding transcript variant (2).
Genome position (GRCh38, 1-based): chr17:58,695,063, A>G. VCF-style: chr17-58695063-A-G. GRCh37 (hg19) VCF-style: chr17-56772424-A-G.
Other names: c.278A>G, p.Gln93Arg (NM_002876.4, NM_058217.1); short protein forms Q93R.
Identifiers: ClinVar variation 2109015 (VCV002109015.4), dbSNP rs2143722875, ClinGen allele CA400340789.
Genomic context (GRCh38, chr17:58,695,063, plus strand): 5'-CAAGATATGCTGGTACATCTGAGTCACACAAGAAGTGTACAGCACTGGAACTTCTTGAGC[A>G]GGAGCATACCCAGGGCTTCATAATCACCTTCTGTTCAGCACTAGATGATATTCTTGGGGG-3'
Protein context (NP_478123.1, residues 83-103): KKCTALELLE[Gln93Arg]EHTQGFIITF